The following is an entry in ClinVar:

ClinVar aggregate classification (germline): Uncertain significance. Review status: criteria provided, multiple submitters, no conflicts (2 of 4 stars). 3 submissions from 3 submitters: Uncertain significance (3). Last evaluated 2025-03-20.

Conditions:
Early-infantile DEE. Also called: Early infantile epileptic encephalopathy with suppression bursts; Early infantile epileptic encephalopathy; Ohtahara syndrome. Identifiers: Orphanet 1934, MedGen C0393706, MONDO:0800491.
SCN1A-related disorder. Also called: SCN1A-related conditions; SCN1A-related condition; SCN1A-related disorders.

Allele frequency attached by ClinVar (database versions not stated): gnomAD exomes below 0.00001.

Submissions (3):

PreventionGenetics, part of Exact Sciences
Classification: Uncertain significance for SCN1A-related condition. Last evaluated: 2025-03-20. Review status: criteria provided, single submitter. Criteria: ACMG Guidelines, 2015. Collection method: clinical testing. Allele origin: germline.
Comment: The SCN1A c.376G>A variant is predicted to result in the amino acid substitution p.Val126Ile. To our knowledge, this variant has not been reported in the literature or in a large population database (gnomAD), indicating this variant is rare. An alternative missense substitution at same position, p.Val126Ala, has been observed in an individual with Dravet syndrome and reported as a variant of uncertain significance (Till et al. 2020. PubMed ID: 31765958). At this time, the clinical significance of this variant is uncertain due to the absence of conclusive functional and genetic evidence.

Labcorp Genetics (formerly Invitae), Labcorp
Classification: Uncertain significance for Early-infantile DEE. Last evaluated: 2023-12-11. Review status: criteria provided, single submitter. Criteria: Invitae Variant Classification Sherloc (09022015). Collection method: clinical testing. Allele origin: germline.
Comment: This sequence change replaces valine, which is neutral and non-polar, with isoleucine, which is neutral and non-polar, at codon 126 of the SCN1A protein (p.Val126Ile). This variant is not present in population databases (gnomAD no frequency). This variant has not been reported in the literature in individuals affected with SCN1A-related conditions. ClinVar contains an entry for this variant (Variation ID: 1310742). Advanced modeling of protein sequence and biophysical properties (such as structural, functional, and spatial information, amino acid conservation, physicochemical variation, residue mobility, and thermodynamic stability) performed at Invitae indicates that this missense variant is not expected to disrupt SCN1A protein function with a negative predictive value of 95%. In summary, the available evidence is currently insufficient to determine the role of this variant in disease. Therefore, it has been classified as a Variant of Uncertain Significance.

GeneDx
Classification: Uncertain significance. Last evaluated: 2019-11-30. Review status: criteria provided, single submitter. Criteria: GeneDx Variant Classification Process June 2021. Collection method: clinical testing. Allele origin: germline. Affected: yes.
Comment: This substitution is predicted to be within the N-terminal cytoplasmic domain; Has not been previously published as pathogenic or benign to our knowledge; In silico analysis, which includes protein predictors and evolutionary conservation, supports that this variant does not alter protein structure/function; In-silico analysis, which includes splice predictors and evolutionary conservation, is inconclusive as to whether the variant alters gene splicing. In the absence of RNA/functional studies, the actual effect of this sequence change is unknown; Not observed in large population cohorts (Lek et al., 2016); The majority of missense variants in this gene are considered pathogenic (Stenson et al., 2014)

NM_001165963.4(SCN1A):c.376G>A (p.Val126Ile)

Gene: SCN1A (sodium voltage-gated channel alpha subunit 1; minus strand). Cytogenetic location: 2q24.3.
Variant type: single nucleotide variant.
Coding change: c.376G>A on transcript NM_001165963.4 (MANE Select); coding-DNA position 376, G replaced by A.
Protein change: p.Val126Ile; replaces valine 126 with isoleucine.
Molecular consequence: missense variant. On other transcripts: 5 prime UTR variant (1), non-coding transcript variant (1).
Genome position (GRCh38, 1-based): chr2:166,058,577, C>T on the plus strand (G>A on the coding strand, the complement: SCN1A is on the minus strand). VCF-style: chr2-166058577-C-T. GRCh37 (hg19) VCF-style: chr2-166915087-C-T.
Other names: c.376G>A, p.Val126Ile (NM_001165964.3, NM_001202435.3, NM_001353948.2 and 10 more transcripts); c.-2050G>A (NM_001353961.2); c.376G>A (NM_001202435.1); short protein forms V126I.
Identifiers: ClinVar variation 1310742 (VCV001310742.11), dbSNP rs1699350822, ClinGen allele CA349076779.
Genomic context (GRCh38, chr2:166,058,577, plus strand): 5'-GTGCTTACAGATCATGTACAAATAGTTAATATTAATCACTTGAAAAAGGATATGAATGTA[C>T]CAAAATCTTAATAGCTATTTTCCTAAGAGGATTGAAGGGAGTTAAAATGTACAGGGCAGA-3'
Protein context (NP_001159435.1, residues 116-136): PLRKIAIKIL[Val126Ile]HSLFSMLIMC